The following is an entry in ClinVar:

ClinVar aggregate classification (germline): Uncertain significance (1 of 4 stars; one submission).

Conditions:
Cardiac arrhythmia. Also called: Cardiac rhythm disease; Arrhythmia. Identifiers: MedGen C0003811, MONDO:0007263, HP:0011675.

Submission:

Color Diagnostics, LLC DBA Color Health
Classification: Uncertain significance for Cardiac arrhythmia. Last evaluated: 2024-03-24. Review status: criteria provided, single submitter. Criteria: ACMG Guidelines, 2015. Collection method: clinical testing. Allele origin: germline.
Comment: This missense variant replaces proline with arginine at codon 968 of the KCNH2 protein. Computational prediction suggests that this variant may not impact protein structure and function (internally defined REVEL score threshold <= 0.5, PMID: 27666373). To our knowledge, functional studies have not been reported for this variant. This variant has not been reported in individuals affected with KCNH2-related disorders in the literature. This variant has not been identified in the general population by the Genome Aggregation Database (gnomAD). The available evidence is insufficient to determine the role of this variant in disease conclusively. Therefore, this variant is classified as a Variant of Uncertain Significance.

NM_000238.4(KCNH2):c.2903C>G (p.Pro968Arg)

Gene: KCNH2 (potassium voltage-gated channel subfamily H member 2; minus strand). Cytogenetic location: 7q36.1.
Variant type: single nucleotide variant.
Coding change: c.2903C>G on transcript NM_000238.4 (MANE Select); coding-DNA position 2903, C replaced by G.
Protein change: p.Pro968Arg; replaces proline 968 with arginine.
Molecular consequence: missense variant. On other transcripts: non-coding transcript variant (2).
Genome position (GRCh38, 1-based): chr7:150,947,668, G>C on the plus strand (C>G on the coding strand, the complement: KCNH2 is on the minus strand). VCF-style: chr7-150947668-G-C. GRCh37 (hg19) VCF-style: chr7-150644756-G-C.
Other names: c.2615C>G, p.Pro872Arg (NM_001406753.1); c.1883C>G, p.Pro628Arg (NM_172057.3); short protein forms P628R, P872R, P968R.
Identifiers: ClinVar variation 3893726 (VCV003893726.1).